The following is an entry in ClinVar:

NM_004484.4(GPC3):c.1734G>T (p.Leu578=)

Gene: GPC3 (glypican 3; minus strand). Cytogenetic location: Xq26.2.
Variant type: single nucleotide variant.
Coding change: c.1734G>T on transcript NM_004484.4 (MANE Select); coding-DNA position 1734, G replaced by T.
Protein change: p.Leu578=; no amino-acid change (leucine 578 retained).
Molecular consequence: synonymous variant.
Genome position (GRCh38, 1-based): chrX:133,536,133, C>A on the plus strand (G>T on the coding strand, the complement: GPC3 is on the minus strand). VCF-style: chrX-133536133-C-A. GRCh37 (hg19) VCF-style: chrX-132670161-C-A.
Other names: c.1803G>T, p.Leu601= (NM_001164617.2); c.1686G>T, p.Leu562= (NM_001164618.2); c.1572G>T, p.Leu524= (NM_001164619.2).
Identifiers: ClinVar variation 4687332 (VCV004687332.1).

ClinVar aggregate classification (germline): Likely benign (1 of 4 stars; one submission).

Submission:

Women's Health and Genetics/Laboratory Corporation of America, LabCorp
Classification: Likely benign. Last evaluated: 2025-10-30. Review status: criteria provided, single submitter. Criteria: LabCorp Variant Classification Summary - May 2015. Collection method: clinical testing. Allele origin: germline.
Comment: Variant summary: GPC3 c.1734G>T alters a conserved nucleotide resulting in a synonymous change. Consensus agreement among computation tools predict no significant impact on normal splicing. However, these predictions have yet to be confirmed by functional studies. The variant was absent in 183067 control chromosomes (gnomAD). The available data on variant occurrences in the general population are insufficient to allow any conclusion about variant significance. To our knowledge, no occurrence of c.1734G>T in individuals affected with GPC3-related conditions and no experimental evidence demonstrating its impact on protein function have been reported. No submitters have cited clinical-significance assessments for this variant to ClinVar. Based on the evidence outlined above, the variant was classified as likely benign.